The following is an entry in ClinVar:

ClinVar aggregate classification (germline): Uncertain significance (1 of 4 stars; one submission).

Conditions:
Neurodevelopmental disorder with hypotonia, seizures, and absent language (NDHSAL). Identifiers: MedGen C4310643, MONDO:0014995, OMIM 617268.

Allele frequency attached by ClinVar (database versions not stated): gnomAD exomes below 0.00001.
gnomAD v4.1: 1 of 1,544,306 alleles (0.000065%); highest among the groups gnomAD compares: Non-Finnish European, 0.000087%; no homozygotes.

Submission:

Foundation for Research in Genetics and Endocrinology, FRIGE's Institute of Human Genetics
Classification: Uncertain significance for Neurodevelopmental disorder with hypotonia, seizures, and absent language. Last evaluated: 2022-04-26. Review status: criteria provided, single submitter. Criteria: ACMG Guidelines, 2015. Collection method: clinical testing. Allele origin: unknown. Inheritance: Autosomal dominant inheritance. Affected: yes. Observed: 1 heterozygote.
Comment: A heterozygous missense variation in exon 9 of the HECW2 gene (chr2:g.196318852C>T; Depth:255X) that result in the amino acid substitution of Lysin for Glutamic acid at codon 687 (p.Glu687Lys; ENST00000644030.1) was detected. the p.Glu687Lys variant has not been reported in the 1000 genome and gnomAD database and has a minor allele frequency of 0.02%in our internal database. the in silico prediction of the variant is damaging by SIFT. the reference codon is conserved across species.

NM_001348768.2(HECW2):c.2059G>A (p.Glu687Lys)

Gene: HECW2 (HECT, C2 and WW domain containing E3 ubiquitin protein ligase 2; minus strand). Cytogenetic location: 2q32.3.
Variant type: single nucleotide variant.
Coding change: c.2059G>A on transcript NM_001348768.2 (MANE Select); coding-DNA position 2059, G replaced by A.
Protein change: p.Glu687Lys; replaces glutamic acid 687 with lysine.
Molecular consequence: missense variant.
Genome position (GRCh38, 1-based): chr2:196,318,831, C>T on the plus strand (G>A on the coding strand, the complement: HECW2 is on the minus strand). VCF-style: chr2-196318831-C-T. GRCh37 (hg19) VCF-style: chr2-197183555-C-T.
Other names: p.Glu687Lys; c.991G>A, p.Glu331Lys (NM_001304840.3); c.2059G>A, p.Glu687Lys (NM_020760.4); short protein forms E331K, E687K.
Identifiers: ClinVar variation 1707598 (VCV001707598.3), dbSNP rs2469041121, ClinGen allele CA349964516.